The following is an entry in ClinVar:

ClinVar aggregate classification (germline): Uncertain significance (1 of 4 stars; one submission).

gnomAD v4.1: 2 of 1,613,182 alleles (0.00012%); highest among the groups gnomAD compares: Non-Finnish European, 0.00017%; no homozygotes.

Submission:

Labcorp Genetics (formerly Invitae), Labcorp
Classification: Uncertain significance. Last evaluated: 2025-10-20. Review status: criteria provided, single submitter. Criteria: Invitae Variant Classification Sherloc (09022015). Collection method: clinical testing. Allele origin: germline.
Comment: This sequence change replaces asparagine, which is neutral and polar, with histidine, which is basic and polar, at codon 241 of the JAK1 protein (p.Asn241His). This variant is not present in population databases (gnomAD no frequency). This variant has not been reported in the literature in individuals affected with JAK1-related conditions. ClinVar contains an entry for this variant (Variation ID: 3670678). Invitae Evidence Modeling of protein sequence and biophysical properties (such as structural, functional, and spatial information, amino acid conservation, physicochemical variation, residue mobility, and thermodynamic stability) indicates that this missense variant is not expected to disrupt JAK1 protein function with a negative predictive value of 80%. In summary, the available evidence is currently insufficient to determine the role of this variant in disease. Therefore, it has been classified as a Variant of Uncertain Significance.

NM_002227.4(JAK1):c.721A>C (p.Asn241His)

Gene: JAK1 (Janus kinase 1; minus strand). Cytogenetic location: 1p31.3.
Variant type: single nucleotide variant.
Coding change: c.721A>C on transcript NM_002227.4 (MANE Select); coding-DNA position 721, A replaced by C.
Protein change: p.Asn241His; replaces asparagine 241 with histidine.
Molecular consequence: missense variant.
Genome position (GRCh38, 1-based): chr1:64,867,135, T>G on the plus strand (A>C on the coding strand, the complement: JAK1 is on the minus strand). VCF-style: chr1-64867135-T-G. GRCh37 (hg19) VCF-style: chr1-65332818-T-G.
Other names: c.721A>C, p.Asn241His (NM_001320923.2, NM_001321852.2, NM_001321853.2 and 4 more transcripts); short protein forms N241H.
Identifiers: ClinVar variation 3670678 (VCV003670678.2).